The following is an entry in ClinVar:

ClinVar aggregate classification (germline): Uncertain significance (1 of 4 stars; one submission).

Allele frequency attached by ClinVar (database versions not stated): gnomAD exomes 0.00001.
gnomAD v4.1: 5 of 1,210,889 alleles (0.00041%); highest among the groups gnomAD compares: Admixed American, 0.0087%; no homozygotes.

Submission:

Labcorp Genetics (formerly Invitae), Labcorp
Classification: Uncertain significance. Last evaluated: 2022-08-20. Review status: criteria provided, single submitter. Criteria: Invitae Variant Classification Sherloc (09022015). Collection method: clinical testing. Allele origin: germline.
Comment: Algorithms developed to predict the effect of missense changes on protein structure and function are either unavailable or do not agree on the potential impact of this missense change (SIFT: "Deleterious"; PolyPhen-2: "Probably Damaging"; Align-GVGD: "Class C0"). This variant has not been reported in the literature in individuals affected with TBC1D8B-related conditions. This variant is present in population databases (no rsID available, gnomAD 0.008%). This sequence change replaces valine, which is neutral and non-polar, with leucine, which is neutral and non-polar, at codon 558 of the TBC1D8B protein (p.Val558Leu). In summary, the available evidence is currently insufficient to determine the role of this variant in disease. Therefore, it has been classified as a Variant of Uncertain Significance.

NM_017752.3(TBC1D8B):c.1672G>T (p.Val558Leu)

Gene: TBC1D8B (TBC1 domain family member 8B; plus strand). Cytogenetic location: Xq22.3.
Variant type: single nucleotide variant.
Coding change: c.1672G>T on transcript NM_017752.3 (MANE Select); coding-DNA position 1672, G replaced by T.
Protein change: p.Val558Leu; replaces valine 558 with leucine.
Molecular consequence: missense variant.
Genome position (GRCh38, 1-based): chrX:106,840,837, G>T. VCF-style: chrX-106840837-G-T. GRCh37 (hg19) VCF-style: chrX-106084067-G-T.
Other names: c.1672G>T, p.Val558Leu (NM_198881.2); short protein forms V558L.
Identifiers: ClinVar variation 1979279 (VCV001979279.4), dbSNP rs1205320241, ClinGen allele CA413804911.